The following is an entry in ClinVar:

NM_000492.4(CFTR):c.2474A>G (p.Asn825Ser)

Gene: CFTR (CF transmembrane conductance regulator; plus strand). Cytogenetic location: 7q31.2.
Variant type: single nucleotide variant.
Coding change: c.2474A>G on transcript NM_000492.4 (MANE Select); coding-DNA position 2474, A replaced by G.
Protein change: p.Asn825Ser; replaces asparagine 825 with serine.
Molecular consequence: missense variant.
Genome position (GRCh38, 1-based): chr7:117,592,641, A>G. VCF-style: chr7-117592641-A-G. GRCh37 (hg19) VCF-style: chr7-117232695-A-G.
Other names: short protein forms N825S.
Identifiers: ClinVar variation 821347 (VCV000821347.6), dbSNP rs1398481391, ClinGen allele CA368981579.

ClinVar aggregate classification (germline): Uncertain significance. Review status: criteria provided, single submitter (1 of 4 stars). 2 submissions from 2 submitters: Uncertain significance (1). 1 of the submissions does not count toward it. Last evaluated 2025-09-01.

Conditions:
Cystic fibrosis (CF). Also called: MUCOVISCIDOSIS. Identifiers: Orphanet 586, MedGen C0010674, MONDO:0009061, OMIM 219700. Disease mechanism: loss of function.

Submissions (2):

Ambry Genetics
Classification: Uncertain significance for Cystic fibrosis. Last evaluated: 2025-09-01. Review status: criteria provided, single submitter. Criteria: Ambry Variant Classification Scheme 2023. Collection method: clinical testing. Allele origin: germline.
Comment: The p.N825S variant (also known as c.2474A>G), located in coding exon 14 of the CFTR gene, results from an A to G substitution at nucleotide position 2474. The asparagine at codon 825 is replaced by serine, an amino acid with highly similar properties. This amino acid position is not well conserved in available vertebrate species. In addition, the in silico prediction for this alteration is inconclusive. Since supporting evidence is limited at this time, the clinical significance of this alteration remains unclear.

Natera, Inc.
Classification: Uncertain significance for Cystic Fibrosis. Last evaluated: 2020-09-16. Review status: no assertion criteria provided. Collection method: clinical testing. Allele origin: germline. Not counted in ClinVar's aggregate classification.